The following is an entry in ClinVar:

NM_006060.6(IKZF1):c.990G>A (p.Leu330=)

Gene: IKZF1 (IKAROS family zinc finger 1; plus strand). Cytogenetic location: 7p12.2.
Variant type: single nucleotide variant.
Coding change: c.990G>A on transcript NM_006060.6 (MANE Select); coding-DNA position 990, G replaced by A.
Protein change: p.Leu330=; no amino-acid change (leucine 330 retained).
Molecular consequence: synonymous variant.
Genome position (GRCh38, 1-based): chr7:50,400,057, G>A. VCF-style: chr7-50400057-G-A. GRCh37 (hg19) VCF-style: chr7-50467755-G-A.
Other names: c.729G>A, p.Leu243= (NM_001291838.2, NM_001220768.2); c.603G>A, p.Leu201= (NM_001291839.2); c.300G>A, p.Leu100= (NM_001291840.1); c.561G>A, p.Leu187= (NM_001291841.1, NM_001220771.2); c.531G>A, p.Leu177= (NM_001291842.1); c.435G>A, p.Leu145= (NM_001291843.1); c.405G>A, p.Leu135= (NM_001291844.1); c.1050G>A, p.Leu350= (NM_001410879.1); and 4 more.
Identifiers: ClinVar variation 3701764 (VCV003701764.3).

ClinVar aggregate classification (germline): Likely benign. Review status: criteria provided, multiple submitters, no conflicts (2 of 4 stars). 2 submissions from 2 submitters: Likely benign (2). Last evaluated 2026-04-24.

Conditions:
IKZF1-related disorder. Also called: IKZF1-related condition.

gnomAD v4.1: 2 of 1,605,254 alleles (0.00012%); highest among the groups gnomAD compares: Admixed American, 0.0017%; no homozygotes.

Submissions (2):

PreventionGenetics, part of Exact Sciences
Classification: Likely benign for IKZF1-related condition. Last evaluated: 2026-04-24. Review status: criteria provided, single submitter. Criteria: ACMG Guidelines, 2015. Collection method: clinical testing. Allele origin: germline.
Comment: This variant is classified as likely benign based on ACMG/AMP sequence variant interpretation guidelines (Richards et al. 2015 PMID: 25741868, with internal and published modifications).

Labcorp Genetics (formerly Invitae), Labcorp
Classification: Likely benign. Last evaluated: 2024-09-26. Review status: criteria provided, single submitter. Criteria: Invitae Variant Classification Sherloc (09022015). Collection method: clinical testing. Allele origin: germline.